The following is an entry in ClinVar:

ClinVar aggregate classification (germline): Uncertain significance (1 of 4 stars; one submission).

Conditions:
Familial cold autoinflammatory syndrome 3 (FCAS3). Also called: ANTIBODY DEFICIENCY AND IMMUNE DYSREGULATION, PLCG2-ASSOCIATED; FAMILIAL ATYPICAL COLD URTICARIA. Identifiers: Orphanet 300359, MedGen C3280914, MONDO:0013766, OMIM 614468.

Allele frequency attached by ClinVar (database versions not stated): gnomAD exomes 0.00001.
gnomAD v4.1: 10 of 1,613,324 alleles (0.00062%); highest among the groups gnomAD compares: Non-Finnish European, 0.00085%; no homozygotes.

Submission:

Labcorp Genetics (formerly Invitae), Labcorp
Classification: Uncertain significance for Familial cold autoinflammatory syndrome 3. Last evaluated: 2022-10-14. Review status: criteria provided, single submitter. Criteria: Invitae Variant Classification Sherloc (09022015). Collection method: clinical testing. Allele origin: germline.
Comment: This sequence change replaces serine, which is neutral and polar, with leucine, which is neutral and non-polar, at codon 828 of the PLCG2 protein (p.Ser828Leu). This variant is not present in population databases (gnomAD no frequency). This variant has not been reported in the literature in individuals affected with PLCG2-related conditions. Algorithms developed to predict the effect of missense changes on protein structure and function are either unavailable or do not agree on the potential impact of this missense change (SIFT: "Tolerated"; PolyPhen-2: "Possibly Damaging"; Align-GVGD: "Class C0"). In summary, the available evidence is currently insufficient to determine the role of this variant in disease. Therefore, it has been classified as a Variant of Uncertain Significance.

NM_002661.5(PLCG2):c.2483C>T (p.Ser828Leu)

Gene: PLCG2 (phospholipase C gamma 2; plus strand). Cytogenetic location: 16q23.3.
Variant type: single nucleotide variant.
Coding change: c.2483C>T on transcript NM_002661.5 (MANE Select); coding-DNA position 2483, C replaced by T.
Protein change: p.Ser828Leu; replaces serine 828 with leucine.
Molecular consequence: missense variant.
Genome position (GRCh38, 1-based): chr16:81,927,147, C>T. VCF-style: chr16-81927147-C-T. GRCh37 (hg19) VCF-style: chr16-81960752-C-T.
Other names: short protein forms S828L.
Identifiers: ClinVar variation 1993495 (VCV001993495.4), dbSNP rs1473115538, ClinGen allele CA396902786.
Genomic context (GRCh38, chr16:81,927,147, plus strand): 5'-AAGGAGACTATGGAACCAGGATCCAGCAGTACTTCCCATCCAACTACGTCGAGGACATCT[C>T]AACTGCAGACTTCGAGGAGCTAGAAAAGCAGGTGAGTCCCCCTCTTCGATCCTCTTACAG-3'
Protein context (NP_002652.2, residues 818-838): YFPSNYVEDI[Ser828Leu]TADFEELEKQ